The following is an entry in ClinVar:

ClinVar aggregate classification (germline): Uncertain significance. Review status: criteria provided, multiple submitters, no conflicts (2 of 4 stars). 3 submissions from 3 submitters: Uncertain significance (3). Last evaluated 2025-11-10.

Conditions:
Cardiovascular phenotype. Identifiers: MedGen CN230736.
Long QT syndrome (LQTS). Identifiers: MedGen C0023976, MeSH D008133, MONDO:0002442. Disease mechanism: loss of function. Inheritance: Various modes of inheritance.

Allele frequency attached by ClinVar (database versions not stated): gnomAD exomes below 0.00001.
gnomAD v4.1: 2 of 1,614,152 alleles (0.00012%); highest among the groups gnomAD compares: Admixed American, 0.0017%; no homozygotes.

Submissions (3):

Labcorp Genetics (formerly Invitae), Labcorp
Classification: Uncertain significance for Long QT syndrome. Last evaluated: 2025-11-10. Review status: criteria provided, single submitter. Criteria: Invitae Variant Classification Sherloc (09022015). Collection method: clinical testing. Allele origin: germline.
Comment: This sequence change replaces proline, which is neutral and non-polar, with leucine, which is neutral and non-polar, at codon 2441 of the ANK2 protein (p.Pro2441Leu). This variant is not present in population databases (gnomAD no frequency). This variant has not been reported in the literature in individuals affected with ANK2-related conditions. ClinVar contains an entry for this variant (Variation ID: 1758324). An algorithm developed to predict the effect of missense changes on protein structure and function (PolyPhen-2) suggests that this variant is likely to be disruptive. In summary, the available evidence is currently insufficient to determine the role of this variant in disease. Therefore, it has been classified as a Variant of Uncertain Significance.

GeneDx
Classification: Uncertain significance. Last evaluated: 2023-09-27. Review status: criteria provided, single submitter. Criteria: GeneDx Variant Classification Process June 2021. Collection method: clinical testing. Allele origin: germline. Affected: yes.
Comment: Not observed at significant frequency in large population cohorts (gnomAD); Located in exon 38, which is reported as being expressed in a brain-specific transcript (Otto et al, 1991; Cunha et al, 2008; Wu et al, 2015); In silico analysis supports that this missense variant has a deleterious effect on protein structure/function; Has not been previously published as pathogenic or benign to our knowledge; This variant is associated with the following publications: (PMID: 1830053, 18790697, 26109584)

Ambry Genetics
Classification: Uncertain significance for Cardiovascular phenotype. Last evaluated: 2021-07-21. Review status: criteria provided, single submitter. Criteria: Ambry Variant Classification Scheme 2023. Collection method: clinical testing. Allele origin: germline.
Comment: The p.P2441L variant (also known as c.7322C>T), located in coding exon 38 of the ANK2 gene, results from a C to T substitution at nucleotide position 7322. This exon is expressed solely in brain (Mohler PJ et al. Circulation. 2007;115(4):432-41). The proline at codon 2441 is replaced by leucine, an amino acid with similar properties. This amino acid position is highly conserved in available vertebrate species. In addition, this alteration is predicted to be deleterious by in silico analysis. Since supporting evidence is limited at this time, the clinical significance of this alteration remains unclear.

NM_001148.6(ANK2):c.7322C>T (p.Pro2441Leu)

Genes: ANK2 (ankyrin 2; plus strand), LOC126807137 (CDK7 strongly-dependent group 2 enhancer GRCh37_chr4:114276560-114277759; plus strand). Cytogenetic location: 4q26.
Variant type: single nucleotide variant.
Coding change: c.7322C>T on transcript NM_001148.6 (MANE Select); coding-DNA position 7322, C replaced by T.
Protein change: p.Pro2441Leu; replaces proline 2441 with leucine.
Molecular consequence: missense variant. On other transcripts: intron variant (68).
Genome position (GRCh38, 1-based): chr4:113,355,940, C>T. VCF-style: chr4-113355940-C-T. GRCh37 (hg19) VCF-style: chr4-114277096-C-T.
Other names: c.7088C>T, p.Pro2363Leu (NM_001386142.1); c.3722C>T, p.Pro1241Leu (NM_001386166.1); c.7463C>T, p.Pro2488Leu (NM_001386174.1); c.7439C>T, p.Pro2480Leu (NM_001386175.1); c.4412-4883C>T (NM_001386186.2, NM_001386148.2); c.4214-4883C>T (NM_001354269.3); c.4292-4883C>T (NM_001386187.2); c.4253-4883C>T (NM_001386147.1); and 35 more; short protein forms P2363L, P2488L, P1241L, P2441L, P2480L.
Identifiers: ClinVar variation 1758324 (VCV001758324.4), dbSNP rs2505705576, ClinGen allele CA357930092.